The following is an entry in ClinVar:

ClinVar aggregate classification (germline): Uncertain significance (1 of 4 stars; one submission).

Submission:

Women's Health and Genetics/Laboratory Corporation of America, LabCorp
Classification: Uncertain significance. Last evaluated: 2024-12-05. Review status: criteria provided, single submitter. Criteria: LabCorp Variant Classification Summary - May 2015. Collection method: clinical testing. Allele origin: germline.
Comment: Variant summary: The variant involves the deletion of exons 3-105 in the RYR2 gene. A presumed nomenclature of c.(168+1_169-1)_(*1342_?)del has been designated for the purposes of this classification. The exact breakpoint at the distal 3' end of this variant is unknown, therefore this deletion may extend downstream of the annotated region of the gene. As it encompasses the termination codon, it is predicted to escape nonsense mediated decay (NMD). This deletion removes a large part of the RYR2 protein, however, the predominant RYR2 mutational spectrum involves missense variants in individuals with Catecholaminergic Polymorphic Ventricular Tachycardia. Therefore, the impact of loss of function variants in RYR2 on disease is not well established. The variant was absent in 120780 control chromosomes in the gnomAD database (Structural Variants v4.1 dataset). The available data on variant occurrences in the general population are insufficient to allow any conclusion about variant significance. To our knowledge, no occurrence of c.(168+1_169-1)_(*1342_?)del in individuals affected with Catecholaminergic Polymorphic Ventricular Tachycardia and no experimental evidence demonstrating its impact on protein function have been reported. No submitters have cited clinical-significance assessments for this variant to ClinVar. Based on the evidence outlined above, the variant was classified as uncertain significance.

NC_000001.10:g.(237433917_237494177)_(237997289_?)del

Gene: RYR2 (ryanodine receptor 2; plus strand). Cytogenetic location: 1q43.
Variant type: Deletion.
Identifiers: ClinVar variation 3768243 (VCV003768243.1).